The following is an entry in ClinVar:

NM_020461.4(TUBGCP6):c.2187T>A (p.Asp729Glu)

Gene: TUBGCP6 (tubulin gamma complex component 6; minus strand). Cytogenetic location: 22q13.33.
Variant type: single nucleotide variant.
Coding change: c.2187T>A on transcript NM_020461.4 (MANE Select); coding-DNA position 2187, T replaced by A.
Protein change: p.Asp729Glu; replaces aspartic acid 729 with glutamic acid.
Molecular consequence: missense variant.
Genome position (GRCh38, 1-based): chr22:50,224,224, A>T on the plus strand (T>A on the coding strand, the complement: TUBGCP6 is on the minus strand). VCF-style: chr22-50224224-A-T. GRCh37 (hg19) VCF-style: chr22-50662653-A-T.
Other names: short protein forms D729E.
Identifiers: ClinVar variation 1934398 (VCV001934398.6), dbSNP rs143520642, ClinGen allele CA10308317.

ClinVar aggregate classification (germline): Uncertain significance. Review status: criteria provided, multiple submitters, no conflicts (2 of 4 stars). 2 submissions from 2 submitters: Uncertain significance (2). Last evaluated 2022-07-14.

Conditions:
Inborn genetic diseases. Identifiers: MedGen C0950123, MeSH D030342.

Allele frequency attached by ClinVar (database versions not stated): gnomAD exomes below 0.00001; TOPMed below 0.00001; ExAC 0.00001; gnomAD 0.00001; ESP Exome Variant Server 0.00008.
gnomAD v4.1: 4 of 1,613,988 alleles (0.00025%); highest among the groups gnomAD compares: African/African-American, 0.004%; no homozygotes.

Submissions (2):

Labcorp Genetics (formerly Invitae), Labcorp
Classification: Uncertain significance. Last evaluated: 2022-07-14. Review status: criteria provided, single submitter. Criteria: Invitae Variant Classification Sherloc (09022015). Collection method: clinical testing. Allele origin: germline.
Comment: In summary, the available evidence is currently insufficient to determine the role of this variant in disease. Therefore, it has been classified as a Variant of Uncertain Significance. Algorithms developed to predict the effect of missense changes on protein structure and function output the following: SIFT: "Tolerated"; PolyPhen-2: "Benign"; Align-GVGD: "Class C0". The glutamic acid amino acid residue is found in multiple mammalian species, which suggests that this missense change does not adversely affect protein function. This variant has not been reported in the literature in individuals affected with TUBGCP6-related conditions. This variant is present in population databases (rs143520642, gnomAD 0.008%). This sequence change replaces aspartic acid, which is acidic and polar, with glutamic acid, which is acidic and polar, at codon 729 of the TUBGCP6 protein (p.Asp729Glu).

Ambry Genetics
Classification: Uncertain significance for Inborn genetic diseases. Last evaluated: 2022-06-27. Review status: criteria provided, single submitter. Criteria: Ambry Variant Classification Scheme 2023. Collection method: clinical testing. Allele origin: germline.